The following is an entry in ClinVar:

ClinVar aggregate classification (germline): Uncertain significance (1 of 4 stars; one submission).

Submission:

Labcorp Genetics (formerly Invitae), Labcorp
Classification: Uncertain significance. Last evaluated: 2025-06-12. Review status: criteria provided, single submitter. Criteria: Invitae Variant Classification Sherloc (09022015). Collection method: clinical testing. Allele origin: germline.
Comment: This sequence change affects a splice site in intron 9 of the TOP1MT gene. It is expected to disrupt RNA splicing. Variants that disrupt the donor or acceptor splice site typically lead to a loss of protein function (PMID: 16199547), however the current clinical and genetic evidence is not sufficient to establish whether loss-of-function variants in TOP1MT cause disease. This variant is present in population databases (rs780176693, gnomAD 0.07%), and has an allele count higher than expected for a pathogenic variant. This variant has not been reported in the literature in individuals affected with TOP1MT-related conditions. ClinVar contains an entry for this variant (Variation ID: 3630547). Algorithms developed to predict the effect of sequence changes on RNA splicing suggest that this variant may disrupt the consensus splice site. In summary, the available evidence is currently insufficient to determine the role of this variant in disease. Therefore, it has been classified as a Variant of Uncertain Significance.

Literature cited by the submitters: PubMed 16199547.

NM_052963.3(TOP1MT):c.1215+1del

Gene: TOP1MT (DNA topoisomerase I mitochondrial; minus strand). Cytogenetic location: 8q24.3.
Variant type: Deletion.
Coding change: c.1215+1del on transcript NM_052963.3 (MANE Select); the canonical splice donor site of the intron after coding-DNA position 1215, one base deleted (G; older notation c.1215+1delG).
Molecular consequence: splice donor variant.
Genome position (GRCh38, 1-based): chr8:143,318,017, C deleted on the plus strand (G on the coding strand, the reverse complement: TOP1MT is on the minus strand). VCF-style (leftmost placement, unchanged base first): chr8-143318016-AC-A. GRCh37 (hg19) VCF-style: chr8-144400186-AC-A.
Other names: c.921+1del (NM_001258447.1, NM_001258446.1).
Identifiers: ClinVar variation 3630547 (VCV003630547.2).